The following is an entry in ClinVar:

NM_173630.4(RTTN):c.5225A>G (p.His1742Arg)

Gene: RTTN (rotatin; minus strand). Cytogenetic location: 18q22.2.
Variant type: single nucleotide variant.
Coding change: c.5225A>G on transcript NM_173630.4 (MANE Select); coding-DNA position 5225, A replaced by G.
Protein change: p.His1742Arg; replaces histidine 1742 with arginine.
Molecular consequence: missense variant.
Genome position (GRCh38, 1-based): chr18:70,051,509, T>C on the plus strand (A>G on the coding strand, the complement: RTTN is on the minus strand). VCF-style: chr18-70051509-T-C. GRCh37 (hg19) VCF-style: chr18-67718745-T-C.
Other names: c.2489A>G, p.His830Arg (NM_001318520.2); short protein forms H830R, H1742R.
Identifiers: ClinVar variation 727444 (VCV000727444.38), dbSNP rs285227, ClinGen allele CA8995003.

ClinVar aggregate classification (germline): Benign/Likely benign. Review status: criteria provided, multiple submitters, no conflicts (2 of 4 stars). 6 submissions from 6 submitters: Benign (3); Likely benign (2). 1 of the submissions does not count toward it. Last evaluated 2026-05-01.

Conditions:
RTTN-related disorder. Also called: RTTN-related condition.

Allele frequency attached by ClinVar (database versions not stated): gnomAD exomes 0.00042 and 0.00119; ExAC 0.00149; 1000 Genomes Project 30x 0.00344; 1000 Genomes Project 0.00359; gnomAD 0.00459 and 0.00496; TOPMed 0.00495; ESP Exome Variant Server 0.00542.
gnomAD v4.1: 1,325 of 1,610,322 alleles (0.082%); highest among the groups gnomAD compares: African/African-American, 1.6%; 6 homozygotes.

Submissions (6):

CeGaT Center for Human Genetics Tuebingen
Classification: Likely benign. Last evaluated: 2026-05-01. Review status: criteria provided, single submitter. Criteria: CeGaT Center For Human Genetics Tuebingen Variant Classification Criteria Version 2. Collection method: clinical testing. Allele origin: germline. Affected: yes. Observed: 6 variant alleles.
Comment: RTTN: BP4, BS1

Labcorp Genetics (formerly Invitae), Labcorp
Classification: Benign. Last evaluated: 2025-12-15. Review status: criteria provided, single submitter. Criteria: Invitae Variant Classification Sherloc (09022015). Collection method: clinical testing. Allele origin: germline.

Blueprint Genetics
Classification: Likely benign. Last evaluated: 2024-11-25. Review status: criteria provided, single submitter. Criteria: ACMG Guidelines, 2015. Collection method: clinical testing. Allele origin: germline.

GeneDx
Classification: Benign. Last evaluated: 2019-05-20. Review status: criteria provided, single submitter. Criteria: GeneDx Variant Classification Process June 2021. Collection method: clinical testing. Allele origin: germline. Affected: yes.

Breakthrough Genomics
Classification: Benign. Review status: criteria provided, single submitter. Criteria: ACMG Guidelines, 2015. Collection method: not provided. Allele origin: germline. Inheritance: Autosomal recessive inheritance. Affected: yes.

PreventionGenetics, part of Exact Sciences
Classification: Benign for RTTN-related condition. Last evaluated: 2020-11-10. Review status: no assertion criteria provided. Collection method: clinical testing. Allele origin: germline. Not counted in ClinVar's aggregate classification.
Comment: This variant is classified as benign based on ACMG/AMP sequence variant interpretation guidelines (Richards et al. 2015 PMID: 25741868, with internal and published modifications).